The following is an entry in ClinVar:

ClinVar aggregate classification (germline): Likely benign (1 of 4 stars; one submission).

Allele frequency attached by ClinVar (database versions not stated): gnomAD 0.00008; gnomAD exomes 0.00015; 1000 Genomes Project 30x 0.00016; 1000 Genomes Project 0.00020; TOPMed 0.00023.
gnomAD v4.1: 224 of 1,536,120 alleles (0.015%); highest among the groups gnomAD compares: Admixed American, 0.1%; no homozygotes.

Submission:

CeGaT Center for Human Genetics Tuebingen
Classification: Likely benign. Last evaluated: 2023-03-01. Review status: criteria provided, single submitter. Criteria: CeGaT Center For Human Genetics Tuebingen Variant Classification Criteria Version 2. Collection method: clinical testing. Allele origin: germline. Affected: yes. Observed: 1 variant allele.
Comment: ZEB2: PP2, BS1

NM_014795.4(ZEB2):c.73+3504C>T

Gene: ZEB2 (zinc finger E-box binding homeobox 2; minus strand). Cytogenetic location: 2q22.3.
Variant type: single nucleotide variant.
Coding change: c.73+3504C>T on transcript NM_014795.4 (MANE Select); 3504 bases into the intron after coding-DNA position 73, C replaced by T.
Molecular consequence: intron variant. On other transcripts: non-coding transcript variant (1).
Genome position (GRCh38, 1-based): chr2:144,513,774, G>A on the plus strand (C>T on the coding strand, the complement: ZEB2 is on the minus strand). VCF-style: chr2-144513774-G-A. GRCh37 (hg19) VCF-style: chr2-145271341-G-A.
Other names: c.73+3504C>T (NM_001171653.2).
Identifiers: ClinVar variation 2498831 (VCV002498831.28), dbSNP rs563831043, ClinGen allele CA57809488.